The following is an entry in ClinVar:

ClinVar aggregate classification (germline): Uncertain significance (1 of 4 stars; one submission).

Conditions:
Combined oxidative phosphorylation defect type 27. Also called: Combined oxidative phosphorylation deficiency 27. Identifiers: Orphanet 477774, MedGen C5567608, MONDO:0014728, OMIM 616672.

Allele frequency attached by ClinVar (database versions not stated): ExAC 0.00001; gnomAD 0.00001; gnomAD exomes 0.00001.
gnomAD v4.1: 15 of 1,613,496 alleles (0.00093%); highest among the groups gnomAD compares: Non-Finnish European, 0.0013%; no homozygotes.

Submission:

Labcorp Genetics (formerly Invitae), Labcorp
Classification: Uncertain significance for Combined oxidative phosphorylation defect type 27. Last evaluated: 2022-07-12. Review status: criteria provided, single submitter. Criteria: Invitae Variant Classification Sherloc (09022015). Collection method: clinical testing. Allele origin: germline.
Comment: This sequence change replaces lysine, which is basic and polar, with glutamic acid, which is acidic and polar, at codon 403 of the CARS2 protein (p.Lys403Glu). This variant is present in population databases (rs762700157, gnomAD 0.002%). This variant has not been reported in the literature in individuals affected with CARS2-related conditions. ClinVar contains an entry for this variant (Variation ID: 863375). Algorithms developed to predict the effect of missense changes on protein structure and function output the following: SIFT: "Tolerated"; PolyPhen-2: "Benign"; Align-GVGD: "Class C0". The glutamic acid amino acid residue is found in multiple mammalian species, which suggests that this missense change does not adversely affect protein function. In summary, the available evidence is currently insufficient to determine the role of this variant in disease. Therefore, it has been classified as a Variant of Uncertain Significance.

NM_024537.4(CARS2):c.1207A>G (p.Lys403Glu)

Gene: CARS2 (cysteinyl-tRNA synthetase 2, mitochondrial; minus strand). Cytogenetic location: 13q34.
Variant type: single nucleotide variant.
Coding change: c.1207A>G on transcript NM_024537.4 (MANE Select); coding-DNA position 1207, A replaced by G.
Protein change: p.Lys403Glu; replaces lysine 403 with glutamic acid.
Molecular consequence: missense variant. On other transcripts: non-coding transcript variant (2).
Genome position (GRCh38, 1-based): chr13:110,646,077, T>C on the plus strand (A>G on the coding strand, the complement: CARS2 is on the minus strand). VCF-style: chr13-110646077-T-C. GRCh37 (hg19) VCF-style: chr13-111298424-T-C.
Other names: c.421A>G, p.Lys141Glu (NM_001352252.2); short protein forms K403E, K141E.
Identifiers: ClinVar variation 863375 (VCV000863375.9), dbSNP rs762700157, ClinGen allele CA7051862.